The following is an entry in ClinVar:

NM_000233.4(LHCGR):c.*221G>C

Genes: LHCGR (luteinizing hormone/choriogonadotropin receptor; minus strand), STON1-GTF2A1L (STON1-GTF2A1L readthrough; plus strand). Cytogenetic location: 2p16.3.
Variant type: single nucleotide variant.
Coding change: c.*221G>C on transcript NM_000233.4 (MANE Select); 221 bases downstream of the stop codon, G replaced by C.
Molecular consequence: 3 prime UTR variant. On other transcripts: intron variant (1).
Genome position (GRCh38, 1-based): chr2:48,687,476, C>G on the plus strand (G>C on the coding strand, the complement: LHCGR is on the minus strand). VCF-style: chr2-48687476-C-G. GRCh37 (hg19) VCF-style: chr2-48914615-C-G.
Other names: c.3441+15796C>G (NM_001198593.2).
Identifiers: ClinVar variation 336454 (VCV000336454.9), dbSNP rs62137532, ClinGen allele CA10613596.
Genomic context (GRCh38, chr2:48,687,476, plus strand): 5'-TTTTTTAAAAGATTCATCAAACAAAATTACTGTGTCAAAATTTCTATAAAAATTTCTAAA[C>G]ACTCTCAACTTCAGTATTTATGCCATGTAACAATGACAAATAGTTTTTAGTGTGGCAGTG-3'

ClinVar aggregate classification (germline): Benign. Review status: criteria provided, multiple submitters, no conflicts (2 of 4 stars). 4 submissions from 3 submitters: Benign (4). Last evaluated 2018-06-26.

Conditions:
Leydig cell agenesis. Also called: LEYDIG CELL HYPOPLASIA WITH MALE PSEUDOHERMAPHRODITISM; LEYDIG CELL HYPOPLASIA, COMPLETE; HYPERGONADOTROPIC HYPOGONADISM, MALE, DUE TO LHCGR DEFECT; Leydig cell hypoplasia, type 1. Identifiers: MedGen C0266432, MONDO:0009384, OMIM 238320.
Gonadotropin-independent familial sexual precocity. Also called: TESTOTOXICOSIS, FAMILIAL; Familial male-limited precocious puberty. Identifiers: Orphanet 3000, MedGen C0342549, MONDO:0008303, OMIM 176410.

Allele frequency attached by ClinVar (database versions not stated): 1000 Genomes Project 0.16274; 1000 Genomes Project 30x 0.16318; TOPMed 0.17590; gnomAD 0.19256.
gnomAD v4.1: 85,501 of 443,248 alleles (19%); highest among the groups gnomAD compares: South Asian, 24%; 9,127 homozygotes.

Submissions (4):

GeneDx
Classification: Benign. Last evaluated: 2018-06-26. Review status: criteria provided, single submitter. Criteria: GeneDx Variant Classification Process June 2021. Collection method: clinical testing. Allele origin: germline. Affected: yes.

Illumina Laboratory Services, Illumina
Classification: Benign for Gonadotropin-independent familial sexual precocity. Last evaluated: 2018-01-13. Review status: criteria provided, single submitter. Criteria: ICSL Variant Classification Criteria 13 December 2019. Collection method: clinical testing. Allele origin: germline.
Comment: This variant was observed in the ICSL laboratory as part of a predisposition screen in an ostensibly healthy population. It had not been previously curated by ICSL or reported in the Human Gene Mutation Database (HGMD: prior to June 1st, 2018), and was therefore a candidate for classification through an automated scoring system. Utilizing variant allele frequency, disease prevalence and penetrance estimates, and inheritance mode, an automated score was calculated to assess if this variant is too frequent to cause the disease. Based on the score and internal cut-off values, a variant classified as benign is not then subjected to further curation. The score for this variant resulted in a classification of benign for this disease.

Illumina Laboratory Services, Illumina
Classification: Benign for Leydig cell agenesis. Last evaluated: 2018-01-13. Review status: criteria provided, single submitter. Criteria: ICSL Variant Classification Criteria 13 December 2019. Collection method: clinical testing. Allele origin: germline.
Comment: the same text as in the submission from Illumina Laboratory Services, Illumina above.

Breakthrough Genomics
Classification: Benign. Review status: criteria provided, single submitter. Criteria: ACMG Guidelines, 2015. Collection method: not provided. Allele origin: germline. Inheritance: Autosomal recessive inheritance. Affected: yes.